The following is an entry in ClinVar:

ClinVar aggregate classification (germline): Uncertain significance (1 of 4 stars; one submission).

Allele frequency attached by ClinVar (database versions not stated): TOPMed 0.00006; gnomAD 0.00009; gnomAD exomes 0.00010; ExAC 0.00012.
gnomAD v4.1: 114 of 1,614,158 alleles (0.0071%); highest among the groups gnomAD compares: Middle Eastern, 0.016%; no homozygotes.

Submission:

Labcorp Genetics (formerly Invitae), Labcorp
Classification: Uncertain significance. Last evaluated: 2022-08-19. Review status: criteria provided, single submitter. Criteria: Invitae Variant Classification Sherloc (09022015). Collection method: clinical testing. Allele origin: germline.
Comment: This sequence change replaces arginine, which is basic and polar, with tryptophan, which is neutral and slightly polar, at codon 1428 of the RUSC2 protein (p.Arg1428Trp). This variant is present in population databases (rs201389638, gnomAD 0.02%). This variant has not been reported in the literature in individuals affected with RUSC2-related conditions. ClinVar contains an entry for this variant (Variation ID: 1470836). Algorithms developed to predict the effect of missense changes on protein structure and function are either unavailable or do not agree on the potential impact of this missense change (SIFT: "Deleterious"; PolyPhen-2: "Possibly Damaging"; Align-GVGD: "Class C0"). In summary, the available evidence is currently insufficient to determine the role of this variant in disease. Therefore, it has been classified as a Variant of Uncertain Significance.

NM_014806.5(RUSC2):c.4282C>T (p.Arg1428Trp)

Gene: RUSC2 (RUN and SH3 domain containing 2; plus strand). Cytogenetic location: 9p13.3.
Variant type: single nucleotide variant.
Coding change: c.4282C>T on transcript NM_014806.5 (MANE Select); coding-DNA position 4282, C replaced by T.
Protein change: p.Arg1428Trp; replaces arginine 1428 with tryptophan.
Molecular consequence: missense variant. On other transcripts: non-coding transcript variant (1).
Genome position (GRCh38, 1-based): chr9:35,561,030, C>T. VCF-style: chr9-35561030-C-T. GRCh37 (hg19) VCF-style: chr9-35561027-C-T.
Other names: c.4282C>T, p.Arg1428Trp (NM_001135999.2); c.1648C>T, p.Arg550Trp (NM_001330740.2); short protein forms R1428W, R550W.
Identifiers: ClinVar variation 1470836 (VCV001470836.4), dbSNP rs201389638, ClinGen allele CA5044348.